The following is an entry in ClinVar:

ClinVar aggregate classification (germline): Uncertain significance (1 of 4 stars; one submission).

Conditions:
Cardiomyopathy (CMYO). Also called: Cardiomyopathies. Identifiers: Orphanet 167848, MedGen C0878544, MONDO:0004994, HP:0001638. Inheritance: Various modes of inheritance.

Submission:

Color Diagnostics, LLC DBA Color Health
Classification: Uncertain significance for Cardiomyopathy. Last evaluated: 2024-03-06. Review status: criteria provided, single submitter. Criteria: ACMG Guidelines, 2015. Collection method: clinical testing. Allele origin: germline.
Comment: This missense variant replaces serine with arginine at codon 837 of the RYR2 protein. Computational prediction is inconclusive regarding the impact of this variant on protein structure and function (internally defined REVEL score threshold 0.5 < inconclusive < 0.7, PMID: 27666373). To our knowledge, functional studies have not been reported for this variant. This variant has not been reported in individuals affected with cardiovascular disorders in the literature. This variant has not been identified in the general population by the Genome Aggregation Database (gnomAD). The available evidence is insufficient to determine the role of this variant in disease conclusively. Therefore, this variant is classified as a Variant of Uncertain Significance.

NM_001035.3(RYR2):c.2511C>A (p.Ser837Arg)

Gene: RYR2 (ryanodine receptor 2; plus strand). Cytogenetic location: 1q43.
Variant type: single nucleotide variant.
Coding change: c.2511C>A on transcript NM_001035.3 (MANE Select); coding-DNA position 2511, C replaced by A.
Protein change: p.Ser837Arg; replaces serine 837 with arginine.
Molecular consequence: missense variant.
Genome position (GRCh38, 1-based): chr1:237,503,403, C>A. VCF-style: chr1-237503403-C-A. GRCh37 (hg19) VCF-style: chr1-237666703-C-A.
Other names: short protein forms S837R.
Identifiers: ClinVar variation 2774267 (VCV002774267.2), dbSNP rs2545891048, ClinGen allele CA345379242.